The following is an entry in ClinVar:

ClinVar aggregate classification (germline): Uncertain significance. Review status: criteria provided, multiple submitters, no conflicts (2 of 4 stars). 2 submissions from 2 submitters: Uncertain significance (2). Last evaluated 2022-09-27.

Allele frequency attached by ClinVar (database versions not stated): TOPMed 0.00003; ESP Exome Variant Server 0.00008.
gnomAD v4.1: 11 of 1,611,274 alleles (0.00068%); highest among the groups gnomAD compares: African/African-American, 0.0054%; no homozygotes.

Submissions (2):

Labcorp Genetics (formerly Invitae), Labcorp
Classification: Uncertain significance. Last evaluated: 2022-09-27. Review status: criteria provided, single submitter. Criteria: Invitae Variant Classification Sherloc (09022015). Collection method: clinical testing. Allele origin: germline.
Comment: This sequence change replaces histidine, which is basic and polar, with glutamine, which is neutral and polar, at codon 1082 of the TUBGCP6 protein (p.His1082Gln). This variant is present in population databases (rs372021422, gnomAD 0.01%). This variant has not been reported in the literature in individuals affected with TUBGCP6-related conditions. ClinVar contains an entry for this variant (Variation ID: 1467751). Algorithms developed to predict the effect of missense changes on protein structure and function are either unavailable or do not agree on the potential impact of this missense change (SIFT: "Deleterious"; PolyPhen-2: "Possibly Damaging"; Align-GVGD: "Class C0"). Algorithms developed to predict the effect of sequence changes on RNA splicing suggest that this variant may create or strengthen a splice site. In summary, the available evidence is currently insufficient to determine the role of this variant in disease. Therefore, it has been classified as a Variant of Uncertain Significance.

Breakthrough Genomics
Classification: Uncertain significance. Review status: criteria provided, single submitter. Criteria: ACMG Guidelines, 2015. Collection method: not provided. Allele origin: germline. Inheritance: Autosomal dominant inheritance. Affected: yes.

NM_020461.4(TUBGCP6):c.3246C>G (p.His1082Gln)

Gene: TUBGCP6 (tubulin gamma complex component 6; minus strand). Cytogenetic location: 22q13.33.
Variant type: single nucleotide variant.
Coding change: c.3246C>G on transcript NM_020461.4 (MANE Select); coding-DNA position 3246, C replaced by G.
Protein change: p.His1082Gln; replaces histidine 1082 with glutamine.
Molecular consequence: missense variant.
Genome position (GRCh38, 1-based): chr22:50,221,113, G>C on the plus strand (C>G on the coding strand, the complement: TUBGCP6 is on the minus strand). VCF-style: chr22-50221113-G-C. GRCh37 (hg19) VCF-style: chr22-50659542-G-C.
Other names: short protein forms H1082Q.
Identifiers: ClinVar variation 1467751 (VCV001467751.6), dbSNP rs372021422, ClinGen allele CA325512434.